The following is an entry in ClinVar:

NM_018238.4(AGK):c.257C>G (p.Pro86Arg)

Gene: AGK (acylglycerol kinase; plus strand). Cytogenetic location: 7q34.
Variant type: single nucleotide variant.
Coding change: c.257C>G on transcript NM_018238.4 (MANE Select); coding-DNA position 257, C replaced by G.
Protein change: p.Pro86Arg; replaces proline 86 with arginine.
Molecular consequence: missense variant.
Genome position (GRCh38, 1-based): chr7:141,601,240, C>G. VCF-style: chr7-141601240-C-G. GRCh37 (hg19) VCF-style: chr7-141301040-C-G.
Other names: c.257C>G, p.Pro86Arg (NM_001364948.3); short protein forms P86R.
Identifiers: ClinVar variation 535810 (VCV000535810.8), dbSNP rs762680550, ClinGen allele CA4517369.
Genomic context (GRCh38, chr7:141,601,240, plus strand): 5'-TTTATATTTTTTCCTTTGTTAACAGAAAAGCCAGGACTCTATTTGAAAAAAATGCTGCCC[C>G]GATTTTACATTTATCTGGCATGGATGTGACTATTGTTAAGGTAAGAATGGCTCCTGAATG-3'
Protein context (NP_060708.1, residues 76-96): ARTLFEKNAA[Pro86Arg]ILHLSGMDVT

ClinVar aggregate classification (germline): Uncertain significance (1 of 4 stars; one submission).

Conditions:
Sengers syndrome. Also called: MITOCHONDRIAL DNA DEPLETION SYNDROME 10 (CARDIOMYOPATHIC TYPE); Cardiomyopathy and cataract. Identifiers: Orphanet 1369, MedGen C1859317, MONDO:0008922, OMIM 212350.
Cataract 38. Also called: Cataract 38, autosomal recessive; Cataract, autosomal recessive congenital 5. Identifiers: Orphanet 91492, MedGen C3553494, MONDO:0013859, OMIM 614691.

Allele frequency attached by ClinVar (database versions not stated): TOPMed 0.00001; gnomAD 0.00003.
gnomAD v4.1: 13 of 1,612,610 alleles (0.00081%); highest among the groups gnomAD compares: African/African-American, 0.004%; no homozygotes.

Submission:

Labcorp Genetics (formerly Invitae), Labcorp
Classification: Uncertain significance for Sengers syndrome; Cataract 38. Last evaluated: 2017-10-06. Review status: criteria provided, single submitter. Criteria: Invitae Variant Classification Sherloc (09022015). Collection method: clinical testing. Allele origin: germline.
Comment: In summary, the available evidence is currently insufficient to determine the role of this variant in disease. Therefore, it has been classified as a Variant of Uncertain Significance. Algorithms developed to predict the effect of missense changes on protein structure and function (SIFT, PolyPhen-2, Align-GVGD) all suggest that this variant is likely to be disruptive, but these predictions have not been confirmed by published functional studies and their clinical significance is uncertain. This variant has not been reported in the literature in individuals with AGK-related disease. This variant is present in population databases (rs762680550, ExAC 0.01%). This sequence change replaces proline with arginine at codon 86 of the AGK protein (p.Pro86Arg). The proline residue is highly conserved and there is a moderate physicochemical difference between proline and arginine.